The following is an entry in ClinVar:

ClinVar aggregate classification (germline): Conflicting classifications of pathogenicity. Review status: criteria provided, conflicting classifications (1 of 4 stars). 11 submissions from 11 submitters: Uncertain significance (6); Likely benign (4). 1 of the submissions does not count toward it. Last evaluated 2026-08-03.

Conditions:
Cardiovascular phenotype. Identifiers: MedGen CN230736.
Alstrom syndrome (ALMS). Identifiers: Orphanet 64, MedGen C0268425, MONDO:0008763, OMIM 203800.

Allele frequency attached by ClinVar (database versions not stated): ExAC 0.00042; gnomAD 0.00045 and 0.00048; gnomAD exomes 0.00045; TOPMed 0.00054; ESP Exome Variant Server 0.00073.
gnomAD v4.1: 958 of 1,613,408 alleles (0.059%); highest among the groups gnomAD compares: Non-Finnish European, 0.078%; 1 homozygote.

Submissions (11):

GeneDx
Classification: Uncertain significance. Last evaluated: 2026-08-03. Review status: criteria provided, single submitter. Criteria: GeneDx Variant Classification Process June 2021. Collection method: clinical testing. Allele origin: germline.
Comment: In silico analysis suggests that this missense variant does not alter protein structure/function; Has not been previously published as pathogenic or benign to our knowledge

Labcorp Genetics (formerly Invitae), Labcorp
Classification: Likely benign for Alstrom syndrome. Last evaluated: 2026-01-27. Review status: criteria provided, single submitter. Criteria: Invitae Variant Classification Sherloc (09022015). Collection method: clinical testing. Allele origin: germline.

Women's Health and Genetics/Laboratory Corporation of America, LabCorp
Classification: Uncertain significance. Last evaluated: 2025-11-10. Review status: criteria provided, single submitter. Criteria: LabCorp Variant Classification Summary - May 2015. Collection method: clinical testing. Allele origin: germline.

Blueprint Genetics
Classification: Likely benign. Last evaluated: 2024-11-21. Review status: criteria provided, single submitter. Criteria: ACMG Guidelines, 2015. Collection method: clinical testing. Allele origin: germline.

ARUP Laboratories, Molecular Genetics and Genomics, ARUP Laboratories
Classification: Uncertain significance for Alstrom syndrome. Last evaluated: 2023-08-16. Review status: criteria provided, single submitter. Criteria: ARUP Molecular Germline Variant Investigation Process 2024. Collection method: clinical testing. Allele origin: germline.
Comment: The ALMS1 c.11353A>G; p.Ile3785Val variant (rs201819880), to our knowledge, is not reported in the medical literature but is reported in ClinVar (Variation ID: 240977). This variant is found in the non-Finnish European population with an allele frequency of 0.089% (114/128,068 alleles) in the Genome Aggregation Database. Computational analyses predict that this variant is neutral (REVEL: 0.072). However, given the lack of clinical and functional data, the significance of this variant is uncertain at this time.

Ambry Genetics
Classification: Likely benign for Cardiovascular phenotype. Last evaluated: 2021-09-16. Review status: criteria provided, single submitter. Criteria: Ambry Variant Classification Scheme 2023. Collection method: clinical testing. Allele origin: germline.

CeGaT Center for Human Genetics Tuebingen
Classification: Uncertain significance. Last evaluated: 2020-09-01. Review status: criteria provided, single submitter. Criteria: CeGaT Center For Human Genetics Tuebingen Variant Classification Criteria Version 2. Collection method: clinical testing. Allele origin: germline. Affected: yes. Observed: 1 variant allele.

Fulgent Genetics
Classification: Uncertain significance for Alstrom syndrome. Last evaluated: 2018-10-31. Review status: criteria provided, single submitter. Criteria: ACMG Guidelines, 2015. Collection method: clinical testing. Allele origin: unknown.

Laboratory for Molecular Medicine, Mass General Brigham Personalized Medicine
Classification: Likely benign. Last evaluated: 2018-06-25. Review status: criteria provided, single submitter. Criteria: LMM Criteria. Collection method: clinical testing. Allele origin: germline. Observed: 1 variant allele.
Comment: p.Ile3786Val in exon 16 of ALMS1: This variant is classified as likely benign be cause it has been identified in 0.08% (108/126020) of European chromosomes by th e Genome Aggregation Database (gnomAD; dbSNP r s201819880) and computational prediction tools do not suggest a high likelihood of impact to the protein. ACMG/AMP Criteria applied: BS1_Supporting, BP4.

Center for Pediatric Genomic Medicine, Children's Mercy Hospital and Clinics
Classification: Uncertain significance. Last evaluated: 2016-11-02. Review status: criteria provided, single submitter. Criteria: ACMG Guidelines, 2015. Collection method: clinical testing. Allele origin: germline.
ClinVar note: Converted during submission from Uncertain Significance to Uncertain significance.

Natera, Inc.
Classification: Likely benign for Alstrom syndrome. Last evaluated: 2020-01-02. Review status: no assertion criteria provided. Collection method: clinical testing. Allele origin: germline. Not counted in ClinVar's aggregate classification.

NM_001378454.1(ALMS1):c.11353A>G (p.Ile3785Val)

Gene: ALMS1 (ALMS1 centrosome and basal body associated protein; plus strand). Cytogenetic location: 2p13.1.
Variant type: single nucleotide variant.
Coding change: c.11353A>G on transcript NM_001378454.1 (MANE Select); coding-DNA position 11353, A replaced by G.
Protein change: p.Ile3785Val; replaces isoleucine 3785 with valine.
Molecular consequence: missense variant.
Genome position (GRCh38, 1-based): chr2:73,573,230, A>G. VCF-style: chr2-73573230-A-G. GRCh37 (hg19) VCF-style: chr2-73800357-A-G.
Other names: c.11356A>G, p.Ile3786Val (NM_015120.4); short protein forms I3786V, I3785V.
Identifiers: ClinVar variation 240977 (VCV000240977.69), dbSNP rs201819880, ClinGen allele CA1715173.